The following is an entry in ClinVar:

ClinVar aggregate classification (germline): Uncertain significance. Review status: criteria provided, multiple submitters, no conflicts (2 of 4 stars). 2 submissions from 2 submitters: Uncertain significance (2). Last evaluated 2025-05-13.

Conditions:
Inborn genetic diseases. Identifiers: MedGen C0950123, MeSH D030342.
Postaxial polydactyly-anterior pituitary anomalies-facial dysmorphism syndrome. Also called: Culler-Jones syndrome. Identifiers: Orphanet 420584, MedGen C4014479, MONDO:0014369, OMIM 615849.
Holoprosencephaly 9 (HPE9). Also called: HOLOPROSENCEPHALY WITH MICROPHTHALMIA AND FIRST BRANCHIAL ARCH ANOMALIES; PITUITARY ANOMALIES WITH HOLOPROSENCEPHALY-LIKE FEATURES. Identifiers: Orphanet 2162, MedGen C1835819, MONDO:0012563, OMIM 610829.

Allele frequency attached by ClinVar (database versions not stated): ExAC 0.00003.
gnomAD v4.1: 17 of 1,610,852 alleles (0.0011%); highest among the groups gnomAD compares: South Asian, 0.015%; 1 homozygote.

Submissions (2):

Ambry Genetics
Classification: Uncertain significance for Inborn genetic diseases. Last evaluated: 2025-05-13. Review status: criteria provided, single submitter. Criteria: Ambry Variant Classification Scheme 2023. Collection method: clinical testing. Allele origin: germline.

Labcorp Genetics (formerly Invitae), Labcorp
Classification: Uncertain significance for Postaxial polydactyly-anterior pituitary anomalies-facial dysmorphism syndrome; Holoprosencephaly 9. Last evaluated: 2025-03-31. Review status: criteria provided, single submitter. Criteria: Invitae Variant Classification Sherloc (09022015). Collection method: clinical testing. Allele origin: germline.
Comment: This sequence change replaces threonine, which is neutral and polar, with isoleucine, which is neutral and non-polar, at codon 1412 of the GLI2 protein (p.Thr1412Ile). This variant is present in population databases (rs763722028, gnomAD 0.02%). This variant has not been reported in the literature in individuals affected with GLI2-related conditions. ClinVar contains an entry for this variant (Variation ID: 2031701). Invitae Evidence Modeling of protein sequence and biophysical properties (such as structural, functional, and spatial information, amino acid conservation, physicochemical variation, residue mobility, and thermodynamic stability) indicates that this missense variant is not expected to disrupt GLI2 protein function with a negative predictive value of 80%. In summary, the available evidence is currently insufficient to determine the role of this variant in disease. Therefore, it has been classified as a Variant of Uncertain Significance.

NM_001374353.1(GLI2):c.4184C>T (p.Thr1395Ile)

Gene: GLI2 (GLI family zinc finger 2; plus strand). Cytogenetic location: 2q14.2.
Variant type: single nucleotide variant.
Coding change: c.4184C>T on transcript NM_001374353.1 (MANE Select); coding-DNA position 4184, C replaced by T.
Protein change: p.Thr1395Ile; replaces threonine 1395 with isoleucine.
Molecular consequence: missense variant.
Genome position (GRCh38, 1-based): chr2:120,990,149, C>T. VCF-style: chr2-120990149-C-T. GRCh37 (hg19) VCF-style: chr2-121747725-C-T.
Other names: c.4235C>T (NM_005270.4); c.4235C>T, p.Thr1412Ile (NM_001371271.1, NM_005270.5); c.3809C>T, p.Thr1270Ile (NM_001374354.1); short protein forms T1270I, T1395I, T1412I.
Identifiers: ClinVar variation 2031701 (VCV002031701.5), dbSNP rs763722028, ClinGen allele CA1852572.